The following is an entry in ClinVar:

ClinVar aggregate classification (germline): Uncertain significance (1 of 4 stars; one submission).

Conditions:
Lipoic acid synthetase deficiency. Also called: HYPERGLYCINEMIA, LACTIC ACIDOSIS, AND SEIZURES. Identifiers: Orphanet 401859, MedGen C3280887, MONDO:0013762, OMIM 614462.

Allele frequency attached by ClinVar (database versions not stated): TOPMed below 0.00001; ExAC 0.00001; gnomAD 0.00002; ESP Exome Variant Server 0.00008.
gnomAD v4.1: 3 of 1,614,000 alleles (0.00019%); highest among the groups gnomAD compares: African/African-American, 0.004%; no homozygotes.

Submission:

Labcorp Genetics (formerly Invitae), Labcorp
Classification: Uncertain significance for Lipoic acid synthetase deficiency. Last evaluated: 2022-03-07. Review status: criteria provided, single submitter. Criteria: Invitae Variant Classification Sherloc (09022015). Collection method: clinical testing. Allele origin: germline.
Comment: This sequence change replaces serine, which is neutral and polar, with phenylalanine, which is neutral and non-polar, at codon 2 of the LIAS protein (p.Ser2Phe). This variant is present in population databases (rs372288500, gnomAD 0.01%). This variant has not been reported in the literature in individuals affected with LIAS-related conditions. Algorithms developed to predict the effect of missense changes on protein structure and function (SIFT, PolyPhen-2, Align-GVGD) all suggest that this variant is likely to be tolerated. In summary, the available evidence is currently insufficient to determine the role of this variant in disease. Therefore, it has been classified as a Variant of Uncertain Significance.

NM_006859.4(LIAS):c.5C>T (p.Ser2Phe)

Genes: LIAS (lipoic acid synthetase; plus strand), LOC112939935 (Sharpr-MPRA regulatory region 11886; plus strand). Cytogenetic location: 4p14.
Variant type: single nucleotide variant.
Coding change: c.5C>T on transcript NM_006859.4 (MANE Select); coding-DNA position 5, C replaced by T.
Protein change: p.Ser2Phe; replaces serine 2 with phenylalanine.
Molecular consequence: missense variant.
Genome position (GRCh38, 1-based): chr4:39,459,122, C>T. VCF-style: chr4-39459122-C-T. GRCh37 (hg19) VCF-style: chr4-39460742-C-T.
Other names: c.5C>T, p.Ser2Phe (NM_001278590.2, NM_001278591.2, NM_001278592.2 and 2 more transcripts); short protein forms S2F.
Identifiers: ClinVar variation 2163648 (VCV002163648.1), dbSNP rs372288500, ClinGen allele CA2894532.